The following is an entry in ClinVar:

ClinVar aggregate classification (germline): Uncertain significance (1 of 4 stars; one submission).

Conditions:
IRF2BPL-related disorder. Also called: IRF2BPL-related condition. Identifiers: MedGen CN381093.

Allele frequency attached by ClinVar (database versions not stated): gnomAD exomes below 0.00001; gnomAD 0.00001; TOPMed 0.00001.
gnomAD v4.1: 2 of 1,612,480 alleles (0.00012%); highest among the groups gnomAD compares: African/African-American, 0.0027%; no homozygotes.

Submission:

PreventionGenetics, part of Exact Sciences
Classification: Uncertain significance for IRF2BPL-related condition. Last evaluated: 2022-10-05. Review status: criteria provided, single submitter. Criteria: ACMG Guidelines, 2015. Collection method: clinical testing. Allele origin: germline.
Comment: The IRF2BPL c.1930A>G variant is predicted to result in the amino acid substitution p.Ser644Gly. To our knowledge, this variant has not been reported in the literature. This variant is reported in 0.0067% of alleles in individuals of African descent in gnomAD. At this time, the clinical significance of this variant is uncertain due to the absence of conclusive functional and genetic evidence.

NM_024496.4(IRF2BPL):c.1930A>G (p.Ser644Gly)

Gene: IRF2BPL (interferon regulatory factor 2 binding protein like; minus strand). Cytogenetic location: 14q24.3.
Variant type: single nucleotide variant.
Coding change: c.1930A>G on transcript NM_024496.4 (MANE Select); coding-DNA position 1930, A replaced by G.
Protein change: p.Ser644Gly; replaces serine 644 with glycine.
Molecular consequence: missense variant.
Genome position (GRCh38, 1-based): chr14:77,025,863, T>C on the plus strand (A>G on the coding strand, the complement: IRF2BPL is on the minus strand). VCF-style: chr14-77025863-T-C. GRCh37 (hg19) VCF-style: chr14-77492206-T-C.
Other names: short protein forms S644G.
Identifiers: ClinVar variation 2635913 (VCV002635913.1), dbSNP rs1566785567, ClinGen allele CA390489079.